The following is an entry in ClinVar:

NM_001958.5(EEF1A2):c.129G>A (p.Glu43=)

Gene: EEF1A2 (eukaryotic translation elongation factor 1 alpha 2; minus strand). Cytogenetic location: 20q13.33.
Variant type: single nucleotide variant.
Coding change: c.129G>A on transcript NM_001958.5 (MANE Select); coding-DNA position 129, G replaced by A.
Protein change: p.Glu43=; no amino-acid change (glutamic acid 43 retained).
Molecular consequence: synonymous variant.
Genome position (GRCh38, 1-based): chr20:63,497,635, C>T on the plus strand (G>A on the coding strand, the complement: EEF1A2 is on the minus strand). VCF-style: chr20-63497635-C-T. GRCh37 (hg19) VCF-style: chr20-62128988-C-T.
Identifiers: ClinVar variation 388575 (VCV000388575.1), dbSNP rs1057523159, ClinGen allele CA16608520.

ClinVar aggregate classification (germline): Likely benign (1 of 4 stars; one submission).

Submission:

GeneDx
Classification: Likely benign. Last evaluated: 2016-08-16. Review status: criteria provided, single submitter. Criteria: GeneDx Variant Classification (06012015). Collection method: clinical testing. Allele origin: germline. Affected: yes.
Comment: This variant is considered likely benign or benign based on one or more of the following criteria: it is a conservative change, it occurs at a poorly conserved position in the protein, it is predicted to be benign by multiple in silico algorithms, and/or has population frequency not consistent with disease.